The following is an entry in ClinVar:

ClinVar aggregate classification (germline): Pathogenic/Likely pathogenic. Review status: criteria provided, multiple submitters, no conflicts (2 of 4 stars). 2 submissions from 2 submitters: Pathogenic (1); Likely pathogenic (1). Last evaluated 2024-02-21.

Conditions:
Hematuria, benign familial, 1 (BFH1). Also called: THIN MEMBRANE NEPHROPATHY. Identifiers: MedGen CN376803, MONDO:0007709, OMIM 141200.
Autosomal recessive Alport syndrome (ATS2). Also called: COL4A3-Related Nephropathy; COL4A4 Alport Syndrome and Thin Basement Membrane Nephropathy; Alport syndrome type 2; ALPORT SYNDROME 2, AUTOSOMAL RECESSIVE. Identifiers: Orphanet 63, Orphanet 88919, MedGen C4746745, MONDO:0008762, OMIM 203780.
Alport syndrome. Also called: Hemorrhagic familial nephritis; Hemorrhagic hereditary nephritis; Congenital hereditary hematuria. Identifiers: Orphanet 63, MedGen C1567741, MONDO:0018965.

Submissions (2):

Fulgent Genetics
Classification: Likely pathogenic for Hematuria, benign familial, 1; Autosomal recessive Alport syndrome. Last evaluated: 2024-02-21. Review status: criteria provided, single submitter. Criteria: ACMG Guidelines, 2015. Collection method: clinical testing. Allele origin: germline.

Victorian Clinical Genetics Services, Murdoch Childrens Research Institute
Classification: Pathogenic for Alport syndrome. Last evaluated: 2023-07-16. Review status: criteria provided, single submitter. Criteria: ACMG Guidelines, 2015. Collection method: clinical testing. Allele origin: germline. Affected: yes.
Comment: Based on the classification scheme VCGS_Germline_v1.3.4, this variant is classified as Pathogenic. Following criteria are met: 0103 - Loss of function is a known mechanism of disease for this gene and is associated with Alport syndrome. Dominant negative is a suspected mechanism of disease for this gene as it is a structural protein (PMIDs: 12028435, 24046192). (I) 0108 - This gene is associated with both recessive and dominant disease. Alport syndrome typically has biallelic inheritance, although rare cases of monoallelic inheritance have been reported (PMID: 28704582). Thin basement membrane nephropathy (TBMN) and focal segmental glomerulosclerosis (FSGS) are associated with autosomal dominant inheritance (OMIM, PMIDs: 16467446, 17942953). (I) 0211 - Canonical splice site variant without proven consequence on splicing (no functional evidence available). (SP) 0251 - This variant is heterozygous. (I) 0301 - Variant is absent from gnomAD (both v2 and v3). (SP) 0311 - Two alternative nucleotide changes at the same canonical splice site are present in gnomAD (v2) (1 heterozygote, 0 homozygotes for each change). (I) 0505 - Abnormal splicing is predicted by in silico tools and affected nucleotide is highly conserved. (SP) 0703 - Two other canonical splice site variants comparable to the one identified in this case have moderate previous evidence for pathogenicity. Two alternative changes (c.4333+2T>C and c.4333+1G>T) have both been reported as likely pathogenic in ClinVar. c.4333+2T>C has also been reported in a heterozygous individual with Alport syndrome or benign familial haematuria (PMID: 30076350). (SP) 0807 - This variant has no previous evidence of pathogenicity. (I) 0905 - No published segregation evidence has been identified for this variant. (I) 1007 - No published functional evidence has been identified for this variant. (I) 1102 - Strong phenotype match for this individual. (SP) 1208 - Inheritance information for this variant is not currently available in this individual. (I) Legend: (SP) - Supporting pathogenic, (I) - Information, (SB) - Supporting benign

Literature cited by the submitters: PubMed 12028435 (cited by Victorian Clinical Genetics Services, Murdoch Childrens Research Institute); PubMed 16467446 (cited by Victorian Clinical Genetics Services, Murdoch Childrens Research Institute); PubMed 17942953 (cited by Victorian Clinical Genetics Services, Murdoch Childrens Research Institute); PubMed 24046192 (cited by Victorian Clinical Genetics Services, Murdoch Childrens Research Institute); PubMed 28704582 (cited by Victorian Clinical Genetics Services, Murdoch Childrens Research Institute); PubMed 30076350 (cited by Victorian Clinical Genetics Services, Murdoch Childrens Research Institute).

NM_000092.5(COL4A4):c.4333+2T>G

Gene: COL4A4 (collagen type IV alpha 4 chain; minus strand). Cytogenetic location: 2q36.3.
Variant type: single nucleotide variant.
Coding change: c.4333+2T>G on transcript NM_000092.5 (MANE Select); the canonical splice donor site of the intron after coding-DNA position 4333, T replaced by G.
Molecular consequence: splice donor variant.
Genome position (GRCh38, 1-based): chr2:227,012,179, A>C on the plus strand (T>G on the coding strand, the complement: COL4A4 is on the minus strand). VCF-style: chr2-227012179-A-C. GRCh37 (hg19) VCF-style: chr2-227876895-A-C.
Identifiers: ClinVar variation 3376728 (VCV003376728.2).